The following is an entry in ClinVar:

NM_000264.5(PTCH1):c.4003A>G (p.Asn1335Asp)

Gene: PTCH1 (patched 1; minus strand). Cytogenetic location: 9q22.32.
Variant type: single nucleotide variant.
Coding change: c.4003A>G on transcript NM_000264.5 (MANE Select); coding-DNA position 4003, A replaced by G.
Protein change: p.Asn1335Asp; replaces asparagine 1335 with aspartic acid.
Molecular consequence: missense variant. On other transcripts: non-coding transcript variant (1).
Genome position (GRCh38, 1-based): chr9:95,447,253, T>C on the plus strand (A>G on the coding strand, the complement: PTCH1 is on the minus strand). VCF-style: chr9-95447253-T-C. GRCh37 (hg19) VCF-style: chr9-98209535-T-C.
Other names: c.3805A>G, p.Asn1269Asp (NM_001083602.3); c.4000A>G, p.Asn1334Asp (NM_001083603.3); c.3550A>G, p.Asn1184Asp (NM_001083604.3, NM_001083605.3, NM_001083606.3 and 1 more transcripts); c.3847A>G, p.Asn1283Asp (NM_001354918.2); short protein forms N1283D, N1335D, N1184D, N1269D, N1334D.
Identifiers: ClinVar variation 4825065 (VCV004825065.2).

ClinVar aggregate classification (germline): Uncertain significance. Review status: criteria provided, multiple submitters, no conflicts (2 of 4 stars). 2 submissions from 2 submitters: Uncertain significance (2). Last evaluated 2026-05-27.

Conditions:
Gorlin syndrome. Also called: Nevoid Basal Cell Carcinoma Syndrome; Basal cell nevus syndrome. Identifiers: Orphanet 377, MedGen C0004779, MONDO:0007187.
Hereditary cancer-predisposing syndrome. Also called: Neoplastic Syndromes, Hereditary; Tumor predisposition; Hereditary Cancer Syndrome; Hereditary neoplastic syndrome. Identifiers: Orphanet 140162, MedGen C0027672, MeSH D009386, MONDO:0015356.

Submissions (2):

Helix
Classification: Uncertain significance for Gorlin syndrome. Last evaluated: 2026-05-27. Review status: criteria provided, single submitter. Criteria: ACMG Guidelines, 2015. Collection method: clinical testing. Allele origin: germline. Inheritance: Autosomal dominant inheritance.
Comment: This variant (NM_000264.5:c.4003A>G p.Asn1335Asp) results in the substitution of asparagine with aspartic acid at codon 1335 in the PTCH1 protein. It is a rare variant that is absent from the large gnomAD population database (v4.1). To our knowledge, this variant has not been reported in individuals with PTCH1-related conditions in the published literature. In silico prediction from REVEL (PMID: 27666373) suggests that this variant may be benign. This variant is present in ClinVar (Accession: VCV004825065.1). In conclusion, since the available evidence is limited, the clinical significance of this variant is unclear at this time. Therefore, it is classified as a Variant of Uncertain Significance.

Ambry Genetics
Classification: Uncertain significance for Hereditary cancer-predisposing syndrome. Last evaluated: 2026-02-13. Review status: criteria provided, single submitter. Criteria: Ambry Variant Classification Scheme 2023. Collection method: clinical testing. Allele origin: germline.
Comment: The p.N1335D variant (also known as c.4003A>G), located in coding exon 23 of the PTCH1 gene, results from an A to G substitution at nucleotide position 4003. The asparagine at codon 1335 is replaced by aspartic acid, an amino acid with highly similar properties. This amino acid position is not well conserved in available vertebrate species. In addition, this alteration is predicted to be tolerated by in silico analysis. Based on the available evidence, the clinical significance of this variant remains unclear.